The following is an entry in ClinVar:

NM_005762.3(TRIM28):c.1816G>A (p.Val606Met)

Gene: TRIM28 (tripartite motif containing 28; plus strand). Cytogenetic location: 19q13.43.
Variant type: single nucleotide variant.
Coding change: c.1816G>A on transcript NM_005762.3 (MANE Select); coding-DNA position 1816, G replaced by A.
Protein change: p.Val606Met; replaces valine 606 with methionine.
Molecular consequence: missense variant.
Genome position (GRCh38, 1-based): chr19:58,549,484, G>A. VCF-style: chr19-58549484-G-A. GRCh37 (hg19) VCF-style: chr19-59060851-G-A.
Other names: short protein forms V606M.
Identifiers: ClinVar variation 3632408 (VCV003632408.2).

ClinVar aggregate classification (germline): Uncertain significance (1 of 4 stars; one submission).

gnomAD v4.1: 8 of 1,613,692 alleles (0.0005%); highest among the groups gnomAD compares: Non-Finnish European, 0.00068%; no homozygotes.

Submission:

Labcorp Genetics (formerly Invitae), Labcorp
Classification: Uncertain significance. Last evaluated: 2024-08-24. Review status: criteria provided, single submitter. Criteria: Invitae Variant Classification Sherloc (09022015). Collection method: clinical testing. Allele origin: germline.
Comment: This sequence change replaces valine, which is neutral and non-polar, with methionine, which is neutral and non-polar, at codon 606 of the TRIM28 protein (p.Val606Met). This variant is not present in population databases (gnomAD no frequency). This variant has not been reported in the literature in individuals affected with TRIM28-related conditions. Experimental studies and prediction algorithms are not available or were not evaluated, and the functional significance of this variant is currently unknown. In summary, the available evidence is currently insufficient to determine the role of this variant in disease. Therefore, it has been classified as a Variant of Uncertain Significance.